The following is an entry in ClinVar:

NM_000260.4(MYO7A):c.1210G>T (p.Gly404Trp)

Gene: MYO7A (myosin VIIA; plus strand). Cytogenetic location: 11q13.5.
Variant type: single nucleotide variant.
Coding change: c.1210G>T on transcript NM_000260.4 (MANE Select); coding-DNA position 1210, G replaced by T.
Protein change: p.Gly404Trp; replaces glycine 404 with tryptophan.
Molecular consequence: missense variant.
Genome position (GRCh38, 1-based): chr11:77,160,982, G>T. VCF-style: chr11-77160982-G-T. GRCh37 (hg19) VCF-style: chr11-76872028-G-T.
Other names: c.1210G>T, p.Gly404Trp (NM_001127180.2); c.1177G>T, p.Gly393Trp (NM_001369365.1); short protein forms G393W, G404W.
Identifiers: ClinVar variation 4854426 (VCV004854426.1).

ClinVar aggregate classification (germline): Uncertain significance (1 of 4 stars; one submission).

Conditions:
Autosomal dominant nonsyndromic hearing loss 11. Identifiers: Orphanet 90635, MedGen C1832475, MONDO:0011032, OMIM 601317.

Submission:

3billion
Classification: Uncertain significance for Autosomal dominant nonsyndromic hearing loss 11. Last evaluated: 2025-12-23. Review status: criteria provided, single submitter. Criteria: ACMG Guidelines, 2015. Collection method: clinical testing. Allele origin: germline. Affected: yes.
Comment: The variant is not observed in the gnomAD v4.1.0 dataset. Predicted Consequence/Location: Missense variant In silico tool predictions suggest damaging effect of the variant on gene or gene product [REVEL: 0.93 (>=0.6, sensitivity 0.68 and specificity 0.92); 3Cnet: 0.76 (> 0.75, sensitivity 0.96 and precision 0.92)]. A different missense change at the same codon (p.Gly404Glu) has been reported to be associated with MYO7A-related disorder (ClinVar ID: VCV001064989). However the evidence of pathogenicity is insufficient at this time. Therefore, this variant is classified as VUS according to the recommendation of ACMG/AMP guideline.